The following is an entry in ClinVar:

NM_006218.4(PIK3CA):c.350T>C (p.Ile117Thr)

Gene: PIK3CA (phosphatidylinositol-4,5-bisphosphate 3-kinase catalytic subunit alpha; plus strand). Cytogenetic location: 3q26.32.
Variant type: single nucleotide variant.
Coding change: c.350T>C on transcript NM_006218.4 (MANE Select); coding-DNA position 350, T replaced by C.
Protein change: p.Ile117Thr; replaces isoleucine 117 with threonine.
Molecular consequence: missense variant.
Genome position (GRCh38, 1-based): chr3:179,199,175, T>C. VCF-style: chr3-179199175-T-C. GRCh37 (hg19) VCF-style: chr3-178916963-T-C.
Other names: short protein forms I117T.
Identifiers: ClinVar variation 2567725 (VCV002567725.2), dbSNP rs150075806, ClinGen allele CA355272751.

ClinVar aggregate classification (germline): Uncertain significance (1 of 4 stars; one submission).

Conditions:
Inborn genetic diseases. Identifiers: MedGen C0950123, MeSH D030342.

Submission:

Ambry Genetics
Classification: Uncertain significance for Inborn genetic diseases. Last evaluated: 2023-04-06. Review status: criteria provided, single submitter. Criteria: Ambry Variant Classification Scheme 2023. Collection method: clinical testing. Allele origin: germline.
Comment: The p.I117T variant (also known as c.350T>C), located in coding exon 1 of the PIK3CA gene, results from a T to C substitution at nucleotide position 350. The isoleucine at codon 117 is replaced by threonine, an amino acid with similar properties. This amino acid position is conserved. In addition, this alteration is predicted to be deleterious by in silico analysis. Since supporting evidence is limited at this time, the clinical significance of this alteration remains unclear.